The following is an entry in ClinVar:

ClinVar aggregate classification (germline): Uncertain significance (1 of 4 stars; one submission).

Conditions:
Gastrointestinal stromal tumor. Also called: Gastrointestinal stromal tumor, somatic; Gastrointestinal stroma tumor. Identifiers: Orphanet 44890, MedGen C0238198, MeSH D046152, MONDO:0011719, OMIM 606764, HP:0100723.

Submission:

Labcorp Genetics (formerly Invitae), Labcorp
Classification: Uncertain significance for Gastrointestinal stromal tumor. Last evaluated: 2023-12-05. Review status: criteria provided, single submitter. Criteria: Invitae Variant Classification Sherloc (09022015). Collection method: clinical testing. Allele origin: germline.
Comment: This sequence change replaces glycine, which is neutral and non-polar, with arginine, which is basic and polar, at codon 166 of the PDGFRA protein (p.Gly166Arg). This variant is not present in population databases (gnomAD no frequency). This variant has not been reported in the literature in individuals affected with PDGFRA-related conditions. Advanced modeling of protein sequence and biophysical properties (such as structural, functional, and spatial information, amino acid conservation, physicochemical variation, residue mobility, and thermodynamic stability) performed at Invitae indicates that this missense variant is not expected to disrupt PDGFRA protein function with a negative predictive value of 80%. In summary, the available evidence is currently insufficient to determine the role of this variant in disease. Therefore, it has been classified as a Variant of Uncertain Significance.

NM_006206.6(PDGFRA):c.496G>A (p.Gly166Arg)

Gene: PDGFRA (platelet derived growth factor receptor alpha; plus strand). Cytogenetic location: 4q12.
Variant type: single nucleotide variant.
Coding change: c.496G>A on transcript NM_006206.6 (MANE Select); coding-DNA position 496, G replaced by A.
Protein change: p.Gly166Arg; replaces glycine 166 with arginine.
Molecular consequence: missense variant.
Genome position (GRCh38, 1-based): chr4:54,263,795, G>A. VCF-style: chr4-54263795-G-A. GRCh37 (hg19) VCF-style: chr4-55129962-G-A.
Other names: c.496G>A, p.Gly166Arg (NM_001347827.2, NM_001347829.2); c.571G>A, p.Gly191Arg (NM_001347828.2); c.535G>A, p.Gly179Arg (NM_001347830.2); short protein forms G166R, G179R, G191R.
Identifiers: ClinVar variation 2813923 (VCV002813923.3), dbSNP rs2110252173, ClinGen allele CA356889950.